The following is an entry in ClinVar:

ClinVar aggregate classification (germline): Uncertain significance (1 of 4 stars; one submission).

Conditions:
Nephronophthisis 15 (NPHP15). Identifiers: Orphanet 3156, MedGen C3541853, MONDO:0013917, OMIM 614845.

Submission:

Labcorp Genetics (formerly Invitae), Labcorp
Classification: Uncertain significance for Nephronophthisis 15. Last evaluated: 2022-05-27. Review status: criteria provided, single submitter. Criteria: Invitae Variant Classification Sherloc (09022015). Collection method: clinical testing. Allele origin: germline.
Comment: This sequence change affects codon 470 of the CEP164 mRNA. It is a 'silent' change, meaning that it does not change the encoded amino acid sequence of the CEP164 protein. It affects a nucleotide within the consensus splice site. This variant is not present in population databases (gnomAD no frequency). This variant has not been reported in the literature in individuals affected with CEP164-related conditions. Algorithms developed to predict the effect of sequence changes on RNA splicing suggest that this variant may disrupt the consensus splice site. In summary, the available evidence is currently insufficient to determine the role of this variant in disease. Therefore, it has been classified as a Variant of Uncertain Significance.

NM_014956.5(CEP164):c.1410G>A (p.Arg470=)

Gene: CEP164 (centrosomal protein 164; plus strand). Cytogenetic location: 11q23.3.
Variant type: single nucleotide variant.
Coding change: c.1410G>A on transcript NM_014956.5 (MANE Select); coding-DNA position 1410, G replaced by A.
Protein change: p.Arg470=; no amino-acid change (arginine 470 retained).
Molecular consequence: synonymous variant.
Genome position (GRCh38, 1-based): chr11:117,381,701, G>A. VCF-style: chr11-117381701-G-A. GRCh37 (hg19) VCF-style: chr11-117252417-G-A.
Other names: c.1419G>A, p.Arg473= (NM_001271933.2).
Identifiers: ClinVar variation 1910753 (VCV001910753.5), dbSNP rs2541563254, ClinGen allele CA476898957.